The following is an entry in ClinVar:

ClinVar aggregate classification (germline): Uncertain significance (1 of 4 stars; one submission).

Conditions:
Hyperammonemia, type III (NAGSD). Also called: Hyperammonemia due to N-acetylglutamate synthase deficiency. Identifiers: Orphanet 927, MedGen C0268543, MONDO:0009377, OMIM 237310.

Allele frequency attached by ClinVar (database versions not stated): gnomAD 0.00001.
gnomAD v4.1: 4 of 1,600,260 alleles (0.00025%); highest among the groups gnomAD compares: African/African-American, 0.004%; no homozygotes.

Submission:

Labcorp Genetics (formerly Invitae), Labcorp
Classification: Uncertain significance for Hyperammonemia, type III. Last evaluated: 2023-10-08. Review status: criteria provided, single submitter. Criteria: Invitae Variant Classification Sherloc (09022015). Collection method: clinical testing. Allele origin: germline.
Comment: This sequence change replaces glycine, which is neutral and non-polar, with serine, which is neutral and polar, at codon 236 of the NAGS protein (p.Gly236Ser). This variant is present in population databases (no rsID available, gnomAD 0.02%). This variant has not been reported in the literature in individuals affected with NAGS-related conditions. Advanced modeling of protein sequence and biophysical properties (such as structural, functional, and spatial information, amino acid conservation, physicochemical variation, residue mobility, and thermodynamic stability) performed at Invitae indicates that this missense variant is not expected to disrupt NAGS protein function. Algorithms developed to predict the effect of sequence changes on RNA splicing suggest that this variant may create or strengthen a splice site. In summary, the available evidence is currently insufficient to determine the role of this variant in disease. Therefore, it has been classified as a Variant of Uncertain Significance.

NM_153006.3(NAGS):c.706G>A (p.Gly236Ser)

Gene: NAGS (N-acetylglutamate synthase; plus strand). Cytogenetic location: 17q21.31.
Variant type: single nucleotide variant.
Coding change: c.706G>A on transcript NM_153006.3 (MANE Select); coding-DNA position 706, G replaced by A.
Protein change: p.Gly236Ser; replaces glycine 236 with serine.
Molecular consequence: missense variant.
Genome position (GRCh38, 1-based): chr17:44,006,028, G>A. VCF-style: chr17-44006028-G-A. GRCh37 (hg19) VCF-style: chr17-42083396-G-A.
Other names: short protein forms G236S.
Identifiers: ClinVar variation 2723020 (VCV002723020.3), dbSNP rs759735236, ClinGen allele CA399725319.